The following is an entry in ClinVar:

NM_014208.3(DSPP):c.1073G>C (p.Arg358Thr)

Genes: DMP1-AS1 (DMP1 and DSPP antisense RNA 1; minus strand), DSPP (dentin sialophosphoprotein; plus strand). Cytogenetic location: 4q22.1.
Variant type: single nucleotide variant.
Coding change: c.1073G>C on transcript NM_014208.3 (MANE Select); coding-DNA position 1073, G replaced by C.
Protein change: p.Arg358Thr; replaces arginine 358 with threonine.
Molecular consequence: missense variant.
Genome position (GRCh38, 1-based): chr4:87,613,259, G>C. VCF-style: chr4-87613259-G-C. GRCh37 (hg19) VCF-style: chr4-88534411-G-C.
Other names: short protein forms R358T.
Identifiers: ClinVar variation 4015151 (VCV004015151.2).
Genomic context (GRCh38, chr4:87,613,259, plus strand): 5'-GCCAAAGAATAGAGGACACCCAGAAGCTCAACCATAGAGAAAGCAAACGCGTAGAAAATA[G>C]AATCACCAAAGAATCAGAGACACATGCTGTTGGGAAGAGCCAAGATAAGGTTAGTTTGTA-3'
Protein context (NP_055023.2, residues 348-368): NHRESKRVEN[Arg358Thr]ITKESETHAV

ClinVar aggregate classification (germline): Uncertain significance. Review status: criteria provided, multiple submitters, no conflicts (2 of 4 stars). 2 submissions from 2 submitters: Uncertain significance (2). Last evaluated 2025-10-01.

Conditions:
Inborn genetic diseases. Identifiers: MedGen C0950123, MeSH D030342.

gnomAD v4.1: 10 of 1,613,750 alleles (0.00062%); highest among the groups gnomAD compares: Non-Finnish European, 0.00085%; no homozygotes.

Submissions (2):

Labcorp Genetics (formerly Invitae), Labcorp
Classification: Uncertain significance. Last evaluated: 2025-10-01. Review status: criteria provided, single submitter. Criteria: Invitae Variant Classification Sherloc (09022015). Collection method: clinical testing. Allele origin: germline.
Comment: This sequence change replaces arginine, which is basic and polar, with threonine, which is neutral and polar, at codon 358 of the DSPP protein (p.Arg358Thr). This variant is present in population databases (no rsID available, gnomAD 0.003%). This variant has not been reported in the literature in individuals affected with DSPP-related conditions. ClinVar contains an entry for this variant (Variation ID: 4015151). An algorithm developed to predict the effect of missense changes on protein structure and function (PolyPhen-2) suggests that this variant is likely to be tolerated. In summary, the available evidence is currently insufficient to determine the role of this variant in disease. Therefore, it has been classified as a Variant of Uncertain Significance.

Ambry Genetics
Classification: Uncertain significance for Inborn genetic diseases. Last evaluated: 2025-05-13. Review status: criteria provided, single submitter. Criteria: Ambry Variant Classification Scheme 2023. Collection method: clinical testing. Allele origin: germline.